The following is an entry in ClinVar:

NM_018896.5(CACNA1G):c.741C>A (p.Phe247Leu)

Gene: CACNA1G (calcium voltage-gated channel subunit alpha1 G; plus strand). Cytogenetic location: 17q21.33.
Variant type: single nucleotide variant.
Coding change: c.741C>A on transcript NM_018896.5 (MANE Select); coding-DNA position 741, C replaced by A.
Protein change: p.Phe247Leu; replaces phenylalanine 247 with leucine.
Molecular consequence: missense variant. On other transcripts: non-coding transcript variant (5).
Genome position (GRCh38, 1-based): chr17:50,572,032, C>A. VCF-style: chr17-50572032-C-A. GRCh37 (hg19) VCF-style: chr17-48649393-C-A.
Other names: c.741C>A, p.Phe247Leu (NM_001256324.2, NM_001256325.2, NM_001256326.2 and 24 more transcripts); short protein forms F247L.
Identifiers: ClinVar variation 4072746 (VCV004072746.1).

ClinVar aggregate classification (germline): Uncertain significance (1 of 4 stars; one submission).

Submission:

GeneDx
Classification: Uncertain significance. Last evaluated: 2025-01-31. Review status: criteria provided, single submitter. Criteria: GeneDx Variant Classification Process June 2021. Collection method: clinical testing. Allele origin: germline. Affected: yes.
Comment: Not observed at significant frequency in large population cohorts (gnomAD); In silico analysis supports that this missense variant has a deleterious effect on protein structure/function; Has not been previously published as pathogenic or benign to our knowledge